The following is an entry in ClinVar:

NM_001378778.1(MPDZ):c.2323C>T (p.Pro775Ser)

Gene: MPDZ (multiple PDZ domain crumbs cell polarity complex component; minus strand). Cytogenetic location: 9p23.
Variant type: single nucleotide variant.
Coding change: c.2323C>T on transcript NM_001378778.1 (MANE Select); coding-DNA position 2323, C replaced by T.
Protein change: p.Pro775Ser; replaces proline 775 with serine.
Molecular consequence: missense variant.
Genome position (GRCh38, 1-based): chr9:13,188,825, G>A on the plus strand (C>T on the coding strand, the complement: MPDZ is on the minus strand). VCF-style: chr9-13188825-G-A. GRCh37 (hg19) VCF-style: chr9-13188824-G-A.
Other names: c.2323C>T, p.Pro775Ser (NM_001261406.2, NM_001261407.2, NM_001330637.2 and 14 more transcripts); short protein forms P775S.
Identifiers: ClinVar variation 4811649 (VCV004811649.1).

ClinVar aggregate classification (germline): Uncertain significance (1 of 4 stars; one submission).

gnomAD v4.1: 1 of 1,613,458 alleles (0.000062%); no homozygotes.

Submission:

Labcorp Genetics (formerly Invitae), Labcorp
Classification: Uncertain significance. Last evaluated: 2025-05-30. Review status: criteria provided, single submitter. Criteria: Invitae Variant Classification Sherloc (09022015). Collection method: clinical testing. Allele origin: germline.
Comment: This sequence change replaces proline, which is neutral and non-polar, with serine, which is neutral and polar, at codon 775 of the MPDZ protein (p.Pro775Ser). This variant is not present in population databases (gnomAD no frequency). This variant has not been reported in the literature in individuals affected with MPDZ-related conditions. An algorithm developed to predict the effect of missense changes on protein structure and function outputs the following: PolyPhen-2: "Benign". The serine amino acid residue is found in multiple mammalian species, which suggests that this missense change does not adversely affect protein function. In summary, the available evidence is currently insufficient to determine the role of this variant in disease. Therefore, it has been classified as a Variant of Uncertain Significance.